The following is an entry in ClinVar:

ClinVar aggregate classification (germline): Uncertain significance. Review status: criteria provided, multiple submitters, no conflicts (2 of 4 stars). 3 submissions from 3 submitters: Uncertain significance (3). Last evaluated 2023-05-15.

Conditions:
Ogden syndrome (OGDNS). Also called: N-TERMINAL ACETYLTRANSFERASE DEFICIENCY. Identifiers: Orphanet 276432, MedGen C3275447, MONDO:0010457, OMIM 300855.
Microphthalmia, syndromic 1 (MCOPS1). Also called: ANOP1. Identifiers: Orphanet 568, Orphanet 85275, MedGen C0796016, MONDO:0010671, OMIM 309800.

Allele frequency attached by ClinVar (database versions not stated): gnomAD 0.00002 and 0.00003; gnomAD exomes 0.00002; ExAC 0.00005; TOPMed 0.00005.
gnomAD v4.1: 28 of 1,208,943 alleles (0.0023%); highest among the groups gnomAD compares: Admixed American, 0.0066%; no homozygotes.

Submissions (3):

Labcorp Genetics (formerly Invitae), Labcorp
Classification: Uncertain significance. Last evaluated: 2023-05-15. Review status: criteria provided, single submitter. Criteria: Invitae Variant Classification Sherloc (09022015). Collection method: clinical testing. Allele origin: germline.
Comment: In summary, the available evidence is currently insufficient to determine the role of this variant in disease. Therefore, it has been classified as a Variant of Uncertain Significance. Algorithms developed to predict the effect of missense changes on protein structure and function output the following: SIFT: "Not Available"; PolyPhen-2: "Benign"; Align-GVGD: "Not Available". The leucine amino acid residue is found in multiple mammalian species, which suggests that this missense change does not adversely affect protein function. ClinVar contains an entry for this variant (Variation ID: 1401268). This sequence change replaces proline, which is neutral and non-polar, with leucine, which is neutral and non-polar, at codon 188 of the NAA10 protein (p.Pro188Leu). This variant is present in population databases (rs199692558, gnomAD 0.01%), including at least one homozygous and/or hemizygous individual. This variant has not been reported in the literature in individuals affected with NAA10-related conditions.

Blueprint Genetics
Classification: Uncertain significance. Last evaluated: 2023-02-22. Review status: criteria provided, single submitter. Criteria: ACMG Guidelines, 2015. Collection method: clinical testing. Allele origin: germline.

Department of Pathology and Laboratory Medicine, Sinai Health System
Classification: Uncertain significance for Ogden syndrome; Microphthalmia, syndromic 1. Last evaluated: 2021-12-10. Review status: criteria provided, single submitter. Criteria: ACMG Guidelines, 2015. Collection method: research. Allele origin: germline.

NM_003491.4(NAA10):c.563C>T (p.Pro188Leu)

Gene: NAA10 (N-alpha-acetyltransferase 10, NatA catalytic subunit; minus strand). Cytogenetic location: Xq28.
Variant type: single nucleotide variant.
Coding change: c.563C>T on transcript NM_003491.4 (MANE Select); coding-DNA position 563, C replaced by T.
Protein change: p.Pro188Leu; replaces proline 188 with leucine.
Molecular consequence: missense variant.
Genome position (GRCh38, 1-based): chrX:153,930,132, G>A on the plus strand (C>T on the coding strand, the complement: NAA10 is on the minus strand). VCF-style: chrX-153930132-G-A. GRCh37 (hg19) VCF-style: chrX-153195585-G-A.
Other names: c.518C>T, p.Pro173Leu (NM_001256119.2); c.545C>T, p.Pro182Leu (NM_001256120.2); short protein forms P173L, P182L, P188L.
Identifiers: ClinVar variation 1401268 (VCV001401268.10), dbSNP rs199692558, ClinGen allele CA10556096.